The following is an entry in ClinVar:

NM_182943.3(PLOD2):c.1864G>T (p.Gly622Cys)

Gene: PLOD2 (procollagen-lysine,2-oxoglutarate 5-dioxygenase 2; minus strand). Cytogenetic location: 3q24.
Variant type: single nucleotide variant.
Coding change: c.1864G>T on transcript NM_182943.3 (MANE Select); coding-DNA position 1864, G replaced by T.
Protein change: p.Gly622Cys; replaces glycine 622 with cysteine.
Molecular consequence: missense variant.
Genome position (GRCh38, 1-based): chr3:146,071,408, C>A on the plus strand (G>T on the coding strand, the complement: PLOD2 is on the minus strand). VCF-style: chr3-146071408-C-A. GRCh37 (hg19) VCF-style: chr3-145789195-C-A.
Other names: c.1801G>T, p.Gly601Cys (NM_000935.3); short protein forms G601C, G622C.
Identifiers: ClinVar variation 1479469 (VCV001479469.8), dbSNP rs762788421, ClinGen allele CA2654737.

ClinVar aggregate classification (germline): Uncertain significance (1 of 4 stars; one submission).

Allele frequency attached by ClinVar (database versions not stated): gnomAD exomes below 0.00001; ExAC 0.00001; TOPMed 0.00003.
gnomAD v4.1: 3 of 1,611,628 alleles (0.00019%); highest among the groups gnomAD compares: Admixed American, 0.0017%; no homozygotes.

Submission:

Labcorp Genetics (formerly Invitae), Labcorp
Classification: Uncertain significance. Last evaluated: 2021-06-16. Review status: criteria provided, single submitter. Criteria: Invitae Variant Classification Sherloc (09022015). Collection method: clinical testing. Allele origin: germline.
Comment: This variant has been observed in individual(s) with clinical features of PLOD2-related conditions (PMID: 22689593). It has also been observed to segregate with disease in related individuals. In summary, the available evidence is currently insufficient to determine the role of this variant in disease. Therefore, it has been classified as a Variant of Uncertain Significance. Algorithms developed to predict the effect of missense changes on protein structure and function (SIFT, PolyPhen-2, Align-GVGD) all suggest that this variant is likely to be disruptive, but these predictions have not been confirmed by published functional studies and their clinical significance is uncertain. This variant is present in population databases (rs762788421, ExAC 0.009%). This sequence change replaces glycine with cysteine at codon 622 of the PLOD2 protein (p.Gly622Cys). The glycine residue is highly conserved and there is a large physicochemical difference between glycine and cysteine.

Literature cited by the submitters: PubMed 22689593.